The following is an entry in ClinVar:

NM_015466.4(PTPN23):c.4874G>C (p.Ser1625Thr)

Gene: PTPN23 (protein tyrosine phosphatase non-receptor type 23; plus strand). Cytogenetic location: 3p21.31.
Variant type: single nucleotide variant.
Coding change: c.4874G>C on transcript NM_015466.4 (MANE Select); coding-DNA position 4874, G replaced by C.
Protein change: p.Ser1625Thr; replaces serine 1625 with threonine.
Molecular consequence: missense variant.
Genome position (GRCh38, 1-based): chr3:47,413,148, G>C. VCF-style: chr3-47413148-G-C. GRCh37 (hg19) VCF-style: chr3-47454638-G-C.
Other names: c.4496G>C, p.Ser1499Thr (NM_001304482.2); short protein forms S1499T, S1625T.
Identifiers: ClinVar variation 2119412 (VCV002119412.1), dbSNP rs1450743268, ClinGen allele CA352569463.

ClinVar aggregate classification (germline): Uncertain significance (1 of 4 stars; one submission).

Allele frequency attached by ClinVar (database versions not stated): gnomAD 0.00001; gnomAD exomes 0.00001.
gnomAD v4.1: 5 of 1,612,562 alleles (0.00031%); highest among the groups gnomAD compares: Admixed American, 0.0083%; no homozygotes.

Submission:

Labcorp Genetics (formerly Invitae), Labcorp
Classification: Uncertain significance. Last evaluated: 2022-07-29. Review status: criteria provided, single submitter. Criteria: Invitae Variant Classification Sherloc (09022015). Collection method: clinical testing. Allele origin: germline.
Comment: This sequence change replaces serine, which is neutral and polar, with threonine, which is neutral and polar, at codon 1625 of the PTPN23 protein (p.Ser1625Thr). This variant is present in population databases (no rsID available, gnomAD 0.009%). This variant has not been reported in the literature in individuals affected with PTPN23-related conditions. Algorithms developed to predict the effect of missense changes on protein structure and function are either unavailable or do not agree on the potential impact of this missense change (SIFT: "Tolerated"; PolyPhen-2: "Not Available"; Align-GVGD: "Class C0"). In summary, the available evidence is currently insufficient to determine the role of this variant in disease. Therefore, it has been classified as a Variant of Uncertain Significance.